The following is an entry in ClinVar:

NM_001046.3(SLC12A2):c.2363+6_2363+7delinsAT

Gene: SLC12A2 (solute carrier family 12 member 2; plus strand). Cytogenetic location: 5q23.3.
Variant type: Indel.
Coding change: c.2363+6_2363+7delinsAT on transcript NM_001046.3 (MANE Select); bases 6 to 7 of the intron after coding-DNA position 2363, TG replaced by AT.
Molecular consequence: intron variant.
Genome position (GRCh38, 1-based): chr5:128,152,811-128,152,812, TG replaced by AT. VCF-style: chr5-128152811-TG-AT. GRCh37 (hg19) VCF-style: chr5-127488503-TG-AT.
Other names: c.2363+6_2363+7delinsAT (NM_001256461.2).
Identifiers: ClinVar variation 3694977 (VCV003694977.2).

ClinVar aggregate classification (germline): Uncertain significance (1 of 4 stars; one submission).

Submission:

Labcorp Genetics (formerly Invitae), Labcorp
Classification: Uncertain significance. Last evaluated: 2024-09-12. Review status: criteria provided, single submitter. Criteria: Invitae Variant Classification Sherloc (09022015). Collection method: clinical testing. Allele origin: germline.
Comment: This sequence change falls in intron 15 of the SLC12A2 gene. It does not directly change the encoded amino acid sequence of the SLC12A2 protein. It affects a nucleotide within the consensus splice site. Information on the frequency of this variant in the gnomAD database is not available, as this variant may be reported differently in the database. This variant has not been reported in the literature in individuals affected with SLC12A2-related conditions. Variants that disrupt the consensus splice site are a relatively common cause of aberrant splicing (PMID: 17576681, 9536098). Experimental studies and prediction algorithms are not available or were not evaluated, and the effect of this variant on mRNA splicing is currently unknown. In summary, the available evidence is currently insufficient to determine the role of this variant in disease. Therefore, it has been classified as a Variant of Uncertain Significance.

Literature cited by the submitters: PubMed 17576681; PubMed 9536098.